The following is an entry in ClinVar:

ClinVar aggregate classification (germline): Conflicting classifications of pathogenicity. Review status: criteria provided, conflicting classifications (1 of 4 stars). 3 submissions from 3 submitters: Uncertain significance (2); Likely benign (1). Last evaluated 2023-12-21.

Conditions:
Hereditary cancer-predisposing syndrome. Also called: Neoplastic Syndromes, Hereditary; Tumor predisposition; Hereditary Cancer Syndrome; Hereditary neoplastic syndrome. Identifiers: Orphanet 140162, MedGen C0027672, MeSH D009386, MONDO:0015356.
Renal cell carcinoma. Identifiers: Orphanet 217071, MedGen C0007134, MeSH D002292, MONDO:0005086, HP:0005584.

gnomAD v4.1: 1 of 1,613,992 alleles (0.000062%); no homozygotes.

Submissions (3):

Ambry Genetics
Classification: Likely benign for Hereditary cancer-predisposing syndrome. Last evaluated: 2023-12-21. Review status: criteria provided, single submitter. Criteria: Ambry Variant Classification Scheme 2023. Collection method: clinical testing. Allele origin: germline.

Labcorp Genetics (formerly Invitae), Labcorp
Classification: Uncertain significance for Renal cell carcinoma. Last evaluated: 2023-02-01. Review status: criteria provided, single submitter. Criteria: Invitae Variant Classification Sherloc (09022015). Collection method: clinical testing. Allele origin: germline.
Comment: This sequence change replaces leucine, which is neutral and non-polar, with valine, which is neutral and non-polar, at codon 180 of the MET protein (p.Leu180Val). This variant is not present in population databases (gnomAD no frequency). This variant has not been reported in the literature in individuals affected with MET-related conditions. ClinVar contains an entry for this variant (Variation ID: 654224). Advanced modeling of protein sequence and biophysical properties (such as structural, functional, and spatial information, amino acid conservation, physicochemical variation, residue mobility, and thermodynamic stability) performed at Invitae indicates that this missense variant is not expected to disrupt MET protein function. In summary, the available evidence is currently insufficient to determine the role of this variant in disease. Therefore, it has been classified as a Variant of Uncertain Significance.

GeneDx
Classification: Uncertain significance. Last evaluated: 2022-08-04. Review status: criteria provided, single submitter. Criteria: GeneDx Variant Classification Process June 2021. Collection method: clinical testing. Allele origin: germline. Affected: yes.
Comment: Not observed at significant frequency in large population cohorts (gnomAD); In silico analysis supports that this missense variant does not alter protein structure/function; Has not been previously published as pathogenic or benign to our knowledge

NM_000245.4(MET):c.538C>G (p.Leu180Val)

Gene: MET (MET proto-oncogene, receptor tyrosine kinase; plus strand). Cytogenetic location: 7q31.2.
Variant type: single nucleotide variant.
Coding change: c.538C>G on transcript NM_000245.4 (MANE Select); coding-DNA position 538, C replaced by G.
Protein change: p.Leu180Val; replaces leucine 180 with valine.
Molecular consequence: missense variant. On other transcripts: intron variant (1).
Genome position (GRCh38, 1-based): chr7:116,699,622, C>G. VCF-style: chr7-116699622-C-G. GRCh37 (hg19) VCF-style: chr7-116339676-C-G.
Other names: c.538C>G, p.Leu180Val (NM_001127500.3, NM_001324401.3); c.-91+27045C>G (NM_001324402.2); short protein forms L180V.
Identifiers: ClinVar variation 654224 (VCV000654224.51), dbSNP rs1584877113, ClinGen allele CA368969302.